The following is an entry in ClinVar:

ClinVar aggregate classification (germline): Uncertain significance (1 of 4 stars; one submission).

Allele frequency attached by ClinVar (database versions not stated): gnomAD exomes below 0.00001.
gnomAD v4.1: 2 of 1,613,516 alleles (0.00012%); highest among the groups gnomAD compares: South Asian, 0.0011%; no homozygotes.

Submission:

Labcorp Genetics (formerly Invitae), Labcorp
Classification: Uncertain significance. Last evaluated: 2022-07-19. Review status: criteria provided, single submitter. Criteria: Invitae Variant Classification Sherloc (09022015). Collection method: clinical testing. Allele origin: germline.
Comment: In summary, the available evidence is currently insufficient to determine the role of this variant in disease. Therefore, it has been classified as a Variant of Uncertain Significance. Algorithms developed to predict the effect of missense changes on protein structure and function are either unavailable or do not agree on the potential impact of this missense change (SIFT: "Deleterious"; PolyPhen-2: "Benign"; Align-GVGD: "Class C0"). ClinVar contains an entry for this variant (Variation ID: 1444189). This variant has not been reported in the literature in individuals affected with MYO3A-related conditions. This variant is not present in population databases (gnomAD no frequency). This sequence change replaces glycine, which is neutral and non-polar, with glutamic acid, which is acidic and polar, at codon 1531 of the MYO3A protein (p.Gly1531Glu).

NM_017433.5(MYO3A):c.4592G>A (p.Gly1531Glu)

Gene: MYO3A (myosin IIIA; plus strand). Cytogenetic location: 10p12.1.
Variant type: single nucleotide variant.
Coding change: c.4592G>A on transcript NM_017433.5 (MANE Select); coding-DNA position 4592, G replaced by A.
Protein change: p.Gly1531Glu; replaces glycine 1531 with glutamic acid.
Molecular consequence: missense variant.
Genome position (GRCh38, 1-based): chr10:26,202,969, G>A. VCF-style: chr10-26202969-G-A. GRCh37 (hg19) VCF-style: chr10-26491898-G-A.
Other names: short protein forms G1531E.
Identifiers: ClinVar variation 1444189 (VCV001444189.8), dbSNP rs868284788, ClinGen allele CA204383433.
Genomic context (GRCh38, chr10:26,202,969, plus strand): 5'-TAAGTGAGTAGAAAATTAGATTGATGCAATGGTGTGTTTATGTGTTCATTTACAGTCAGG[G>A]AAAATTATTAGATTTGGAAGATTTCTATTATAAGGAATTTTTGCCCAGTCGTTCTGGACC-3'
Protein context (NP_059129.3, residues 1521-1541): EKRRPRKDSQ[Gly1531Glu]KLLDLEDFYY